The following is an entry in ClinVar:

ClinVar aggregate classification (germline): Uncertain significance (1 of 4 stars; one submission).

Conditions:
Brody myopathy. Also called: BRODY DISEASE. Identifiers: Orphanet 53347, MedGen C1832918, MONDO:0010977, OMIM 601003.

Allele frequency attached by ClinVar (database versions not stated): gnomAD exomes below 0.00001; gnomAD 0.00001; TOPMed 0.00001.
gnomAD v4.1: 8 of 1,613,842 alleles (0.0005%); highest among the groups gnomAD compares: Non-Finnish European, 0.00068%; no homozygotes.

Submission:

Labcorp Genetics (formerly Invitae), Labcorp
Classification: Uncertain significance for Brody myopathy. Last evaluated: 2022-12-02. Review status: criteria provided, single submitter. Criteria: Invitae Variant Classification Sherloc (09022015). Collection method: clinical testing. Allele origin: germline.
Comment: In summary, the available evidence is currently insufficient to determine the role of this variant in disease. Therefore, it has been classified as a Variant of Uncertain Significance. Algorithms developed to predict the effect of missense changes on protein structure and function (SIFT, PolyPhen-2, Align-GVGD) all suggest that this variant is likely to be tolerated. ClinVar contains an entry for this variant (Variation ID: 580071). This variant has not been reported in the literature in individuals affected with ATP2A1-related conditions. This variant is present in population databases (no rsID available, gnomAD 0.0009%). This sequence change replaces alanine, which is neutral and non-polar, with valine, which is neutral and non-polar, at codon 893 of the ATP2A1 protein (p.Ala893Val).

NM_004320.6(ATP2A1):c.2678C>T (p.Ala893Val)

Gene: ATP2A1 (ATPase sarcoplasmic/endoplasmic reticulum Ca2+ transporting 1; plus strand). Cytogenetic location: 16p11.2.
Variant type: single nucleotide variant.
Coding change: c.2678C>T on transcript NM_004320.6 (MANE Select); coding-DNA position 2678, C replaced by T.
Protein change: p.Ala893Val; replaces alanine 893 with valine.
Molecular consequence: missense variant.
Genome position (GRCh38, 1-based): chr16:28,902,845, C>T. VCF-style: chr16-28902845-C-T. GRCh37 (hg19) VCF-style: chr16-28914166-C-T.
Other names: c.2303C>T, p.Ala768Val (NM_001286075.2); c.2678C>T, p.Ala893Val (NM_173201.5); short protein forms A893V, A768V.
Identifiers: ClinVar variation 580071 (VCV000580071.9), dbSNP rs1237226867, ClinGen allele CA395415246.